The following is an entry in ClinVar:

ClinVar aggregate classification (germline): Uncertain significance (1 of 4 stars; one submission).

Submission:

Labcorp Genetics (formerly Invitae), Labcorp
Classification: Uncertain significance. Last evaluated: 2023-11-11. Review status: criteria provided, single submitter. Criteria: Invitae Variant Classification Sherloc (09022015). Collection method: clinical testing. Allele origin: germline.
Comment: This sequence change replaces aspartic acid, which is acidic and polar, with glycine, which is neutral and non-polar, at codon 144 of the CTNNB1 protein (p.Asp144Gly). This variant is not present in population databases (gnomAD no frequency). This variant has not been reported in the literature in individuals affected with CTNNB1-related conditions. Advanced modeling of protein sequence and biophysical properties (such as structural, functional, and spatial information, amino acid conservation, physicochemical variation, residue mobility, and thermodynamic stability) performed at Invitae indicates that this missense variant is expected to disrupt CTNNB1 protein function with a positive predictive value of 80%. In summary, the available evidence is currently insufficient to determine the role of this variant in disease. Therefore, it has been classified as a Variant of Uncertain Significance.

NM_001904.4(CTNNB1):c.431A>G (p.Asp144Gly)

Genes: CTNNB1 (catenin beta 1; plus strand), LOC126806658 (BRD4-independent group 4 enhancer GRCh37_chr3:41265899-41267098; plus strand). Cytogenetic location: 3p22.1.
Variant type: single nucleotide variant.
Coding change: c.431A>G on transcript NM_001904.4 (MANE Select); coding-DNA position 431, A replaced by G.
Protein change: p.Asp144Gly; replaces aspartic acid 144 with glycine.
Molecular consequence: missense variant.
Genome position (GRCh38, 1-based): chr3:41,225,143, A>G. VCF-style: chr3-41225143-A-G. GRCh37 (hg19) VCF-style: chr3-41266634-A-G.
Other names: c.431A>G, p.Asp144Gly (NM_001098209.2, NM_001098210.2); c.410A>G, p.Asp137Gly (NM_001330729.2); short protein forms D137G, D144G.
Identifiers: ClinVar variation 2772427 (VCV002772427.3), dbSNP rs2125620869, ClinGen allele CA352229281.